The following is an entry in ClinVar:

ClinVar aggregate classification (germline): Likely benign. Review status: criteria provided, multiple submitters, no conflicts (2 of 4 stars). 2 submissions from 2 submitters: Likely benign (2). Last evaluated 2026-01-27.

Conditions:
Hereditary spastic paraplegia 11. Also called: Spastic Paraplegia 11; Spastic paraplegia, mental retardation and thin corpus callosum; SPASTIC PARAPLEGIA, AUTOSOMAL RECESSIVE, COMPLICATED, WITH THIN CORPUS CALLOSUM; SPASTIC PARAPLEGIA, AUTOSOMAL RECESSIVE, WITH MENTAL IMPAIRMENT AND THIN CORPUS CALLOSUM; Nakamura Osame syndrome; Autosomal recessive hereditary spastic paraplegia, mental impairment, and thin corpus callosum. Identifiers: Orphanet 2822, MedGen C1858479, MONDO:0011445, OMIM 604360.

Allele frequency attached by ClinVar (database versions not stated): ExAC 0.00001; gnomAD exomes 0.00001.
gnomAD v4.1: 12 of 1,613,260 alleles (0.00074%); highest among the groups gnomAD compares: Admixed American, 0.0083%; no homozygotes.

Submissions (2):

Labcorp Genetics (formerly Invitae), Labcorp
Classification: Likely benign for Hereditary spastic paraplegia 11. Last evaluated: 2026-01-27. Review status: criteria provided, single submitter. Criteria: Invitae Variant Classification Sherloc (09022015). Collection method: clinical testing. Allele origin: germline.

CeGaT Center for Human Genetics Tuebingen
Classification: Likely benign. Last evaluated: 2025-10-01. Review status: criteria provided, single submitter. Criteria: CeGaT Center For Human Genetics Tuebingen Variant Classification Criteria Version 2. Collection method: clinical testing. Allele origin: germline. Affected: yes. Observed: 1 variant allele.
Comment: SPG11: BP4, BP7

NM_025137.4(SPG11):c.2205G>A (p.Lys735=)

Gene: SPG11 (SPG11 vesicle trafficking associated, spatacsin; minus strand). Cytogenetic location: 15q21.1.
Variant type: single nucleotide variant.
Coding change: c.2205G>A on transcript NM_025137.4 (MANE Select); coding-DNA position 2205, G replaced by A.
Protein change: p.Lys735=; no amino-acid change (lysine 735 retained).
Molecular consequence: synonymous variant.
Genome position (GRCh38, 1-based): chr15:44,626,370, C>T on the plus strand (G>A on the coding strand, the complement: SPG11 is on the minus strand). VCF-style: chr15-44626370-C-T. GRCh37 (hg19) VCF-style: chr15-44918568-C-T.
Other names: c.2205G>A, p.Lys735= (NM_001160227.2).
Identifiers: ClinVar variation 1627262 (VCV001627262.14), dbSNP rs747102973, ClinGen allele CA7535328.